The following is an entry in ClinVar:

ClinVar aggregate classification (germline): Uncertain significance (1 of 4 stars; one submission).

Conditions:
Congenital contractural arachnodactyly (CCA). Also called: BEALS SYNDROME; Arthrogryposis, distal, type 9; Beals-Hecht syndrome. Identifiers: Orphanet 115, MedGen C0220668, MONDO:0007363, OMIM 121050.

gnomAD v4.1: 16 of 1,613,966 alleles (0.00099%); highest among the groups gnomAD compares: African/African-American, 0.0067%; no homozygotes.

Submission:

Labcorp Genetics (formerly Invitae), Labcorp
Classification: Uncertain significance for Congenital contractural arachnodactyly. Last evaluated: 2024-04-30. Review status: criteria provided, single submitter. Criteria: Invitae Variant Classification Sherloc (09022015). Collection method: clinical testing. Allele origin: germline.
Comment: This sequence change replaces glycine, which is neutral and non-polar, with alanine, which is neutral and non-polar, at codon 364 of the FBN2 protein (p.Gly364Ala). This variant is not present in population databases (gnomAD no frequency). This variant has not been reported in the literature in individuals affected with FBN2-related conditions. Advanced modeling of protein sequence and biophysical properties (such as structural, functional, and spatial information, amino acid conservation, physicochemical variation, residue mobility, and thermodynamic stability) performed at Invitae indicates that this missense variant is expected to disrupt FBN2 protein function with a positive predictive value of 80%. In summary, the available evidence is currently insufficient to determine the role of this variant in disease. Therefore, it has been classified as a Variant of Uncertain Significance.

NM_001999.4(FBN2):c.1091G>C (p.Gly364Ala)

Gene: FBN2 (fibrillin 2; minus strand). Cytogenetic location: 5q23.3.
Variant type: single nucleotide variant.
Coding change: c.1091G>C on transcript NM_001999.4 (MANE Select); coding-DNA position 1091, G replaced by C.
Protein change: p.Gly364Ala; replaces glycine 364 with alanine.
Molecular consequence: missense variant.
Genome position (GRCh38, 1-based): chr5:128,395,262, C>G on the plus strand (G>C on the coding strand, the complement: FBN2 is on the minus strand). VCF-style: chr5-128395262-C-G. GRCh37 (hg19) VCF-style: chr5-127730955-C-G.
Other names: short protein forms G364A.
Identifiers: ClinVar variation 3646627 (VCV003646627.2).